The following is an entry in ClinVar:

NM_001278669.2(NFATC1):c.2255C>T (p.Pro752Leu)

Gene: NFATC1 (nuclear factor of activated T cells 1; plus strand). Cytogenetic location: 18q23.
Variant type: single nucleotide variant.
Coding change: c.2255C>T on transcript NM_001278669.2 (MANE Select); coding-DNA position 2255, C replaced by T.
Protein change: p.Pro752Leu; replaces proline 752 with leucine.
Molecular consequence: missense variant. On other transcripts: intron variant (2).
Genome position (GRCh38, 1-based): chr18:79,486,410, C>T. VCF-style: chr18-79486410-C-T. GRCh37 (hg19) VCF-style: chr18-77246410-C-T.
Other names: c.2216C>T, p.Pro739Leu (NM_172389.3, NM_172387.3); c.2092+18828C>T (NM_001278670.2); c.2053+18828C>T (NM_001278672.2); c.839C>T, p.Pro280Leu (NM_001278673.2, NM_172388.3); c.2255C>T, p.Pro752Leu (NM_006162.5); short protein forms P739L, P752L, P280L.
Identifiers: ClinVar variation 2407141 (VCV002407141.4), dbSNP rs147651267, ClinGen allele CA9009574.

ClinVar aggregate classification (germline): Uncertain significance. Review status: criteria provided, multiple submitters, no conflicts (2 of 4 stars). 2 submissions from 2 submitters: Uncertain significance (2). Last evaluated 2024-02-15.

Allele frequency attached by ClinVar (database versions not stated): ExAC 0.00013; ESP Exome Variant Server 0.00031.
gnomAD v4.1: 70 of 1,612,676 alleles (0.0043%); highest among the groups gnomAD compares: African/African-American, 0.041%; no homozygotes.

Submissions (2):

Labcorp Genetics (formerly Invitae), Labcorp
Classification: Uncertain significance. Last evaluated: 2024-02-15. Review status: criteria provided, single submitter. Criteria: Invitae Variant Classification Sherloc (09022015). Collection method: clinical testing. Allele origin: germline.
Comment: This sequence change replaces proline, which is neutral and non-polar, with leucine, which is neutral and non-polar, at codon 752 of the NFATC1 protein (p.Pro752Leu). This variant is present in population databases (rs147651267, gnomAD 0.05%). This variant has not been reported in the literature in individuals affected with NFATC1-related conditions. ClinVar contains an entry for this variant (Variation ID: 2407141). Algorithms developed to predict the effect of missense changes on protein structure and function output the following: SIFT: "Not Available"; PolyPhen-2: "Benign"; Align-GVGD: "Not Available". The leucine amino acid residue is found in multiple mammalian species, which suggests that this missense change does not adversely affect protein function. In summary, the available evidence is currently insufficient to determine the role of this variant in disease. Therefore, it has been classified as a Variant of Uncertain Significance.

Ambry Genetics
Classification: Uncertain significance. Last evaluated: 2021-08-30. Review status: criteria provided, single submitter. Criteria: Ambry Variant Classification Scheme 2023. Collection method: clinical testing. Allele origin: germline.